The following is an entry in ClinVar:

ClinVar aggregate classification (germline): Benign (1 of 4 stars; one submission).

Submission:

CeGaT Center for Human Genetics Tuebingen
Classification: Benign. Last evaluated: 2024-10-01. Review status: criteria provided, single submitter. Criteria: CeGaT Center For Human Genetics Tuebingen Variant Classification Criteria Version 2. Collection method: clinical testing. Allele origin: germline. Affected: yes. Observed: 1 variant allele.
Comment: CYP21A2: BS1, BS2

NC_000006.12:g.32038127T>C

Genes: CYP21A2 (cytochrome P450 family 21 subfamily A member 2; plus strand), LOC106780800 (CYP21A2 recombination region; plus strand), LOC110631417 (CYP21A2 5' regulatory region; plus strand). Cytogenetic location: 6p21.33.
Variant type: single nucleotide variant.
Genome position: GRCh38 VCF-style: chr6-32038127-T-C. GRCh37 (hg19) VCF-style: chr6-32005904-T-C.
Identifiers: ClinVar variation 3388172 (VCV003388172.14).